The following is an entry in ClinVar:

ClinVar aggregate classification (germline): Pathogenic (1 of 4 stars; one submission).

Conditions:
Blepharophimosis, ptosis, and epicanthus inversus syndrome. Identifiers: Orphanet 126, MedGen C0220663, MONDO:0007201, OMIM 110100.

Submission:

Genomic Diagnostic Laboratory, Division of Genomic Diagnostics, Children's Hospital of Philadelphia
Classification: Pathogenic for Blepharophimosis, ptosis, and epicanthus inversus syndrome. Last evaluated: 2016-11-03. Review status: criteria provided, single submitter. Criteria: DGD Variant Analysis Guidelines. Collection method: clinical testing. Allele origin: germline. Affected: yes. Observed: 1 variant allele.
Comment: Clinical Testing

NM_023067.4(FOXL2):c.840_871del (p.Ala283fs)

Gene: FOXL2 (forkhead box L2; minus strand). Cytogenetic location: 3q22.3.
Variant type: Deletion.
Coding change: c.840_871del on transcript NM_023067.4 (MANE Select); coding-DNA positions 840 to 871, 32 bases deleted.
Protein change: p.Ala283fs; shifts the reading frame from alanine 283.
Molecular consequence: frameshift variant.
Genome position (GRCh38, 1-based): chr3:138,945,852-138,945,883, 32 bases deleted; deleting any 32 consecutive bases within chr3:138,945,852-138,945,886 gives the same sequence; the c. name uses the placement nearest the transcript's 3' end. GRCh37 (hg19): chr3:138,664,697-138,664,728.
Other names: short protein forms A283fs.
Identifiers: ClinVar variation 369932 (VCV000369932.1), dbSNP rs1057516179, ClinGen allele CA10654861.